The following is an entry in ClinVar:

ClinVar aggregate classification (germline): Uncertain significance (1 of 4 stars; one submission).

gnomAD v4.1: 1 of 1,612,236 alleles (0.000062%); highest among the groups gnomAD compares: Non-Finnish European, 0.000085%; no homozygotes.

Submission:

GeneDx
Classification: Uncertain significance. Last evaluated: 2024-09-20. Review status: criteria provided, single submitter. Criteria: GeneDx Variant Classification Process June 2021. Collection method: clinical testing. Allele origin: germline. Affected: yes.
Comment: Not observed at significant frequency in large population cohorts (gnomAD); In silico analysis indicates that this missense variant does not alter protein structure/function; Has not been previously published as pathogenic or benign to our knowledge

NM_014991.6(WDFY3):c.330G>T (p.Gln110His)

Gene: WDFY3 (WD repeat and FYVE domain containing 3; minus strand). Cytogenetic location: 4q21.23.
Variant type: single nucleotide variant.
Coding change: c.330G>T on transcript NM_014991.6 (MANE Select); coding-DNA position 330, G replaced by T.
Protein change: p.Gln110His; replaces glutamine 110 with histidine.
Molecular consequence: missense variant.
Genome position (GRCh38, 1-based): chr4:84,841,238, C>A on the plus strand (G>T on the coding strand, the complement: WDFY3 is on the minus strand). VCF-style: chr4-84841238-C-A. GRCh37 (hg19) VCF-style: chr4-85762391-C-A.
Other names: short protein forms Q110H.
Identifiers: ClinVar variation 3774199 (VCV003774199.1).